The following is an entry in ClinVar:

ClinVar aggregate classification (germline): Uncertain significance (1 of 4 stars; one submission).

Conditions:
Long QT syndrome (LQTS). Identifiers: MedGen C0023976, MeSH D008133, MONDO:0002442. Disease mechanism: loss of function. Inheritance: Various modes of inheritance.

Submission:

Labcorp Genetics (formerly Invitae), Labcorp
Classification: Uncertain significance for Long QT syndrome. Last evaluated: 2023-06-04. Review status: criteria provided, single submitter. Criteria: Invitae Variant Classification Sherloc (09022015). Collection method: clinical testing. Allele origin: germline.
Comment: In summary, the available evidence is currently insufficient to determine the role of this variant in disease. Therefore, it has been classified as a Variant of Uncertain Significance. This variant disrupts the p.Glu58 amino acid residue in KCNH2. Other variant(s) that disrupt this residue have been determined to be pathogenic (PMID: 11222472, 19695459, 25417810; Invitae). This suggests that this residue is clinically significant, and that variants that disrupt this residue are likely to be disease-causing. An algorithm developed to predict the effect of missense changes on protein structure and function (PolyPhen-2) suggests that this variant is likely to be disruptive. This variant has not been reported in the literature in individuals affected with KCNH2-related conditions. This variant is not present in population databases (gnomAD no frequency). This sequence change replaces glutamic acid, which is acidic and polar, with glutamine, which is neutral and polar, at codon 58 of the KCNH2 protein (p.Glu58Gln).

Literature cited by the submitters: PubMed 11222472; PubMed 19695459; PubMed 25417810.

NM_000238.4(KCNH2):c.172G>C (p.Glu58Gln)

Gene: KCNH2 (potassium voltage-gated channel subfamily H member 2; minus strand). Cytogenetic location: 7q36.1.
Variant type: single nucleotide variant.
Coding change: c.172G>C on transcript NM_000238.4 (MANE Select); coding-DNA position 172, G replaced by C.
Protein change: p.Glu58Gln; replaces glutamic acid 58 with glutamine.
Molecular consequence: missense variant. On other transcripts: 5 prime UTR variant (1), non-coding transcript variant (1).
Genome position (GRCh38, 1-based): chr7:150,974,846, C>G on the plus strand (G>C on the coding strand, the complement: KCNH2 is on the minus strand). VCF-style: chr7-150974846-C-G. GRCh37 (hg19) VCF-style: chr7-150671934-C-G.
Other names: c.-6G>C (NM_001406755.1); c.172G>C, p.Glu58Gln (NM_172056.3); short protein forms E58Q.
Identifiers: ClinVar variation 2959230 (VCV002959230.3), dbSNP rs199473413, ClinGen allele CA369865745.